The following is an entry in ClinVar:

ClinVar aggregate classification (germline): Uncertain significance (1 of 4 stars; one submission).

Conditions:
Cutis laxa, autosomal dominant 3 (ADCL3). Identifiers: Orphanet 90348, MedGen C4225268, MONDO:0014706, OMIM 616603.
de Barsy syndrome. Also called: Cutis laxa-corneal clouding-oligophrenia syndrome. Identifiers: Orphanet 2962, MedGen C0268354, MONDO:0017569.
Autosomal dominant spastic paraplegia type 9. Identifiers: MedGen C1832669, MONDO:0015091.

Submission:

Labcorp Genetics (formerly Invitae), Labcorp
Classification: Uncertain significance for Autosomal dominant spastic paraplegia type 9; de Barsy syndrome; Cutis laxa, autosomal dominant 3. Last evaluated: 2022-05-20. Review status: criteria provided, single submitter. Criteria: Invitae Variant Classification Sherloc (09022015). Collection method: clinical testing. Allele origin: germline.
Comment: In summary, the available evidence is currently insufficient to determine the role of this variant in disease. Therefore, it has been classified as a Variant of Uncertain Significance. Algorithms developed to predict the effect of sequence changes on RNA splicing suggest that this variant may create or strengthen a splice site. Algorithms developed to predict the effect of missense changes on protein structure and function are either unavailable or do not agree on the potential impact of this missense change (SIFT: "Deleterious"; PolyPhen-2: "Probably Damaging"; Align-GVGD: "Class C0"). This variant has not been reported in the literature in individuals affected with ALDH18A1-related conditions. This variant is not present in population databases (gnomAD no frequency). This sequence change replaces lysine, which is basic and polar, with arginine, which is basic and polar, at codon 76 of the ALDH18A1 protein (p.Lys76Arg).

NM_002860.4(ALDH18A1):c.227A>G (p.Lys76Arg)

Gene: ALDH18A1 (aldehyde dehydrogenase 18 family member A1; minus strand). Cytogenetic location: 10q24.1.
Variant type: single nucleotide variant.
Coding change: c.227A>G on transcript NM_002860.4 (MANE Select); coding-DNA position 227, A replaced by G.
Protein change: p.Lys76Arg; replaces lysine 76 with arginine.
Molecular consequence: missense variant. On other transcripts: intron variant (4).
Genome position (GRCh38, 1-based): chr10:95,643,068, T>C on the plus strand (A>G on the coding strand, the complement: ALDH18A1 is on the minus strand). VCF-style: chr10-95643068-T-C. GRCh37 (hg19) VCF-style: chr10-97402825-T-C.
Other names: c.227A>G, p.Lys76Arg (NM_001017423.2, NM_001323413.2, NM_001323414.2 and 2 more transcripts); c.-78-9419A>G (NM_001323419.2); c.-30-5632A>G (NM_001323412.2, NM_001323418.2, NM_001323416.2); short protein forms K76R.
Identifiers: ClinVar variation 1996793 (VCV001996793.4), dbSNP rs2526935776, ClinGen allele CA377707792.